The following is an entry in ClinVar:

NM_013940.4(OR10H1):c.321C>T (p.Phe107=)

Gene: OR10H1 (olfactory receptor family 10 subfamily H member 1; minus strand). Cytogenetic location: 19p13.12.
Variant type: single nucleotide variant.
Coding change: c.321C>T on transcript NM_013940.4 (MANE Select); coding-DNA position 321, C replaced by T.
Protein change: p.Phe107=; no amino-acid change (phenylalanine 107 retained).
Molecular consequence: synonymous variant.
Genome position (GRCh38, 1-based): chr19:15,807,717, G>A on the plus strand (C>T on the coding strand, the complement: OR10H1 is on the minus strand). VCF-style: chr19-15807717-G-A. GRCh37 (hg19) VCF-style: chr19-15918527-G-A.
Identifiers: ClinVar variation 2649501 (VCV002649501.24), dbSNP rs754019278, ClinGen allele CA9273429.

ClinVar aggregate classification (germline): Likely benign (1 of 4 stars; one submission).

Allele frequency attached by ClinVar (database versions not stated): gnomAD 0.00001; ExAC 0.00002; TOPMed 0.00002.

Submission:

CeGaT Center for Human Genetics Tuebingen
Classification: Likely benign. Last evaluated: 2022-11-01. Review status: criteria provided, single submitter. Criteria: CeGaT Center For Human Genetics Tuebingen Variant Classification Criteria Version 2. Collection method: clinical testing. Allele origin: germline. Affected: yes. Observed: 1 variant allele.
Comment: OR10H1: BP4, BP7